The following is an entry in ClinVar:

ClinVar aggregate classification (germline): Uncertain significance (0 of 4 stars; one submission).

Conditions:
Fanconi anemia complementation group A (FANCA). Also called: Fanconi anemia, group A; FANCA-Related Fanconi Anemia. Identifiers: Orphanet 84, MedGen C3469521, MONDO:0009215, OMIM 227650.

Submission:

Leiden Open Variation Database
Classification: Uncertain significance for Fanconi anemia complementation group A. Last evaluated: 2020-02-28. Review status: no assertion criteria provided. Collection method: curation. Allele origin: germline. Affected: yes.
Comment: Curator: Arleen D. Auerbach. Submitter to LOVD: Arleen D. Auerbach.

NC_000016.10:g.(89740100_89740803)_(89816657_?)del

Genes: ZNF276 (zinc finger protein 276; plus strand), FANCA (FA complementation group A; minus strand). Cytogenetic location: 16q24.3.
Variant type: Deletion.
Identifiers: ClinVar variation 974183 (VCV000974183.1).